The following is an entry in ClinVar:

ClinVar aggregate classification (germline): Uncertain significance (1 of 4 stars; one submission).

Submission:

Labcorp Genetics (formerly Invitae), Labcorp
Classification: Uncertain significance. Last evaluated: 2025-06-03. Review status: criteria provided, single submitter. Criteria: Invitae Variant Classification Sherloc (09022015). Collection method: clinical testing. Allele origin: germline.
Comment: This sequence change replaces serine, which is neutral and polar, with glycine, which is neutral and non-polar, at codon 756 of the XPO5 protein (p.Ser756Gly). This variant is not present in population databases (gnomAD no frequency). This variant has not been reported in the literature in individuals affected with XPO5-related conditions. ClinVar contains an entry for this variant (Variation ID: 3686740). An algorithm developed to predict the effect of missense changes on protein structure and function (PolyPhen-2) suggests that this variant is likely to be tolerated. In summary, the available evidence is currently insufficient to determine the role of this variant in disease. Therefore, it has been classified as a Variant of Uncertain Significance.

NM_020750.3(XPO5):c.2266A>G (p.Ser756Gly)

Genes: POLR1C (RNA polymerase I and III subunit C; plus strand), XPO5 (exportin 5; minus strand). Cytogenetic location: 6p21.1.
Variant type: single nucleotide variant.
Coding change: c.2266A>G on transcript NM_020750.3 (MANE Select); coding-DNA position 2266, A replaced by G.
Protein change: p.Ser756Gly; replaces serine 756 with glycine.
Molecular consequence: missense variant. On other transcripts: non-coding transcript variant (1), intron variant (1).
Genome position (GRCh38, 1-based): chr6:43,546,647, T>C on the plus strand (A>G on the coding strand, the complement: XPO5 is on the minus strand). VCF-style: chr6-43546647-T-C. GRCh37 (hg19) VCF-style: chr6-43514384-T-C.
Other names: c.923-4321T>C (NM_001363658.2); short protein forms S756G.
Identifiers: ClinVar variation 3686740 (VCV003686740.2).
Genomic context (GRCh38, chr6:43,546,647, plus strand): 5'-AATTGTCAAGAAGTTTCAGAATCTGCTCTGTGCAGGGGTTACGGAAGATTGGATTTCCAC[T>C]GGATGTATAACCCACCACAAATCCCCCAGCTTTGGCCTCTTCTAGGTCAGTGGGCCAGCA-3'
Protein context (NP_065801.1, residues 746-766): AGGFVVGYTS[Ser756Gly]GNPIFRNPCT